The following is an entry in ClinVar:

ClinVar aggregate classification (germline): Uncertain significance (1 of 4 stars; one submission).

Conditions:
Epilepsy, familial adult myoclonic, 5 (EPEO5). Also called: CORTICAL MYOCLONIC TREMOR WITH EPILEPSY, FAMILIAL, 5. Identifiers: Orphanet 86814, MedGen C3809374, MONDO:0014167, OMIM 615400.

Allele frequency attached by ClinVar (database versions not stated): gnomAD exomes below 0.00001; TOPMed below 0.00001; ExAC 0.00001.
gnomAD v4.1: 1 of 1,614,062 alleles (0.000062%); highest among the groups gnomAD compares: Non-Finnish European, 0.000085%; no homozygotes.

Submission:

Labcorp Genetics (formerly Invitae), Labcorp
Classification: Uncertain significance for Epilepsy, familial adult myoclonic, 5. Last evaluated: 2018-09-20. Review status: criteria provided, single submitter. Criteria: Invitae Variant Classification Sherloc (09022015). Collection method: clinical testing. Allele origin: germline.
Comment: In summary, the available evidence is currently insufficient to determine the role of this variant in disease. Therefore, it has been classified as a Variant of Uncertain Significance. Algorithms developed to predict the effect of missense changes on protein structure and function output the following: SIFT: "Tolerated"; PolyPhen-2: "Benign"; Align-GVGD: "Class C0". The leucine amino acid residue is found in multiple mammalian species, suggesting that this missense change does not adversely affect protein function. These predictions have not been confirmed by published functional studies and their clinical significance is uncertain. This variant has not been reported in the literature in individuals with CNTN2-related disease. This variant is present in population databases (rs757311639, ExAC 0.002%). This sequence change replaces proline with leucine at codon 1017 of the CNTN2 protein (p.Pro1017Leu). The proline residue is moderately conserved and there is a moderate physicochemical difference between proline and leucine.

NM_005076.5(CNTN2):c.3050C>T (p.Pro1017Leu)

Gene: CNTN2 (contactin 2; plus strand). Cytogenetic location: 1q32.1.
Variant type: single nucleotide variant.
Coding change: c.3050C>T on transcript NM_005076.5 (MANE Select); coding-DNA position 3050, C replaced by T.
Protein change: p.Pro1017Leu; replaces proline 1017 with leucine.
Molecular consequence: missense variant. On other transcripts: non-coding transcript variant (1).
Genome position (GRCh38, 1-based): chr1:205,073,692, C>T. VCF-style: chr1-205073692-C-T. GRCh37 (hg19) VCF-style: chr1-205042820-C-T.
Other names: c.3050C>T, p.Pro1017Leu (NM_001346083.2); short protein forms P1017L.
Identifiers: ClinVar variation 662176 (VCV000662176.8), dbSNP rs757311639, ClinGen allele CA1351867.